The following is an entry in ClinVar:

ClinVar aggregate classification (germline): Uncertain significance (1 of 4 stars; one submission).

Conditions:
Inborn genetic diseases. Identifiers: MedGen C0950123, MeSH D030342.

gnomAD v4.1: 1 of 1,614,218 alleles (0.000062%); highest among the groups gnomAD compares: Non-Finnish European, 0.000085%; no homozygotes.

Submission:

Ambry Genetics
Classification: Uncertain significance for Inborn genetic diseases. Last evaluated: 2025-02-07. Review status: criteria provided, single submitter. Criteria: Ambry Variant Classification Scheme 2023. Collection method: clinical testing. Allele origin: germline.
Comment: The p.N52D variant (also known as c.154A>G), located in coding exon 2 of the BUB1B gene, results from an A to G substitution at nucleotide position 154. The asparagine at codon 52 is replaced by aspartic acid, an amino acid with highly similar properties. This amino acid position is conserved. In addition, this alteration is predicted to be tolerated by in silico analysis. Based on the available evidence, the clinical significance of this variant remains unclear.

NM_001211.6(BUB1B):c.154A>G (p.Asn52Asp)

Gene: BUB1B (BUB1 mitotic checkpoint serine/threonine kinase B; plus strand). Cytogenetic location: 15q15.1.
Variant type: single nucleotide variant.
Coding change: c.154A>G on transcript NM_001211.6 (MANE Select); coding-DNA position 154, A replaced by G.
Protein change: p.Asn52Asp; replaces asparagine 52 with aspartic acid.
Molecular consequence: missense variant.
Genome position (GRCh38, 1-based): chr15:40,165,171, A>G. VCF-style: chr15-40165171-A-G. GRCh37 (hg19) VCF-style: chr15-40457372-A-G.
Other names: short protein forms N52D.
Identifiers: ClinVar variation 3826058 (VCV003826058.1).